The following is an entry in ClinVar:

NM_001077418.3(TMEM231):c.309G>A (p.Ser103=)

Gene: TMEM231 (transmembrane protein 231; minus strand). Cytogenetic location: 16q23.1.
Variant type: single nucleotide variant.
Coding change: c.309G>A on transcript NM_001077418.3 (MANE Select); coding-DNA position 309, G replaced by A.
Protein change: p.Ser103=; no amino-acid change (serine 103 retained).
Molecular consequence: synonymous variant. On other transcripts: non-coding transcript variant (1).
Genome position (GRCh38, 1-based): chr16:75,555,804, C>T on the plus strand (G>A on the coding strand, the complement: TMEM231 is on the minus strand). VCF-style: chr16-75555804-C-T. GRCh37 (hg19) VCF-style: chr16-75589702-C-T.
Other names: c.468G>A, p.Ser156= (NM_001077416.2).
Identifiers: ClinVar variation 1395181 (VCV001395181.6), dbSNP rs2151710504, ClinGen allele CA496694737.
Genomic context (GRCh38, chr16:75,555,804, plus strand): 5'-CCAGTCCCCATCCCCACCCTATCCCCGACTCTGCCCCAGGCCCAGGCGGGAACCACGCAC[C>T]GAAACGAGCGGGACGCGCAGGCGATCCCCTTGCAGCCGGTTGAAGGCGGGGAACGTGCTC-3'
Protein context (NP_001070886.1, residues 93-113): QGDRLRVPLV[Ser103=]TREEDRNQDG

ClinVar aggregate classification (germline): Uncertain significance (1 of 4 stars; one submission).

Conditions:
Meckel syndrome, type 11 (MKS11). Identifiers: Orphanet 564, MedGen C3809352, MONDO:0014164, OMIM 615397.
Joubert syndrome 20 (JBTS20). Identifiers: Orphanet 475, MedGen C3554235, MONDO:0013994, OMIM 614970.

gnomAD v4.1: 1 of 1,533,428 alleles (0.000065%); highest among the groups gnomAD compares: Admixed American, 0.002%; no homozygotes.

Submission:

Labcorp Genetics (formerly Invitae), Labcorp
Classification: Uncertain significance for Joubert syndrome 20; Meckel syndrome, type 11. Last evaluated: 2022-02-02. Review status: criteria provided, single submitter. Criteria: Invitae Variant Classification Sherloc (09022015). Collection method: clinical testing. Allele origin: germline.
Comment: In summary, the available evidence is currently insufficient to determine the role of this variant in disease. Therefore, it has been classified as a Variant of Uncertain Significance. Variants that disrupt the consensus splice site are a relatively common cause of aberrant splicing (PMID: 17576681, 9536098). Algorithms developed to predict the effect of sequence changes on RNA splicing suggest that this variant may disrupt the consensus splice site. This variant has not been reported in the literature in individuals affected with TMEM231-related conditions. This variant is not present in population databases (gnomAD no frequency). This sequence change affects codon 156 of the TMEM231 mRNA. It is a 'silent' change, meaning that it does not change the encoded amino acid sequence of the TMEM231 protein. This variant also falls at the last nucleotide of exon 1, which is part of the consensus splice site for this exon.

Literature cited by the submitters: PubMed 17576681; PubMed 9536098.